The following is an entry in ClinVar:

ClinVar aggregate classification (germline): Uncertain significance (1 of 4 stars; one submission).

Conditions:
Developmental and epileptic encephalopathy, 9 (DEE9). Also called: PCDH19-Related X-Linked Female-Limited Epilepsy with Mental Retardation; Early infantile epileptic encephalopathy 9; JUBERG-HELLMAN SYNDROME; EPILEPSY, FEMALE-RESTRICTED, WITH MENTAL RETARDATION. Identifiers: Orphanet 101039, Orphanet 2076, MedGen C1848137, MONDO:0010246, OMIM 300088. Disease mechanism: loss of function.

Submission:

Labcorp Genetics (formerly Invitae), Labcorp
Classification: Uncertain significance for Developmental and epileptic encephalopathy, 9. Last evaluated: 2022-07-11. Review status: criteria provided, single submitter. Criteria: Invitae Variant Classification Sherloc (09022015). Collection method: clinical testing. Allele origin: germline.
Comment: Advanced modeling of protein sequence and biophysical properties (such as structural, functional, and spatial information, amino acid conservation, physicochemical variation, residue mobility, and thermodynamic stability) performed at Invitae indicates that this missense variant is expected to disrupt PCDH19 protein function. In summary, the available evidence is currently insufficient to determine the role of this variant in disease. Therefore, it has been classified as a Variant of Uncertain Significance. This sequence change replaces tyrosine, which is neutral and polar, with cysteine, which is neutral and slightly polar, at codon 458 of the PCDH19 protein (p.Tyr458Cys). This variant has not been reported in the literature in individuals affected with PCDH19-related conditions. ClinVar contains an entry for this variant (Variation ID: 846292). This variant is not present in population databases (gnomAD no frequency).

NM_001184880.2(PCDH19):c.1373A>G (p.Tyr458Cys)

Gene: PCDH19 (protocadherin 19; minus strand). Cytogenetic location: Xq22.1.
Variant type: single nucleotide variant.
Coding change: c.1373A>G on transcript NM_001184880.2 (MANE Select); coding-DNA position 1373, A replaced by G.
Protein change: p.Tyr458Cys; replaces tyrosine 458 with cysteine.
Molecular consequence: missense variant.
Genome position (GRCh38, 1-based): chrX:100,407,225, T>C on the plus strand (A>G on the coding strand, the complement: PCDH19 is on the minus strand). VCF-style: chrX-100407225-T-C. GRCh37 (hg19) VCF-style: chrX-99662223-T-C.
Other names: c.1373A>G, p.Tyr458Cys (NM_001105243.2, NM_020766.3); short protein forms Y458C.
Identifiers: ClinVar variation 846292 (VCV000846292.10), dbSNP rs1928392499, ClinGen allele CA414002865.